The following is an entry in ClinVar:

NM_000143.4(FH):c.904+1G>A

Gene: FH (fumarate hydratase; minus strand). Cytogenetic location: 1q43.
Variant type: single nucleotide variant.
Coding change: c.904+1G>A on transcript NM_000143.4 (MANE Select); the canonical splice donor site of the intron after coding-DNA position 904, G replaced by A.
Molecular consequence: splice donor variant.
Genome position (GRCh38, 1-based): chr1:241,506,002, C>T on the plus strand (G>A on the coding strand, the complement: FH is on the minus strand). VCF-style: chr1-241506002-C-T. GRCh37 (hg19) VCF-style: chr1-241669302-C-T.
Identifiers: ClinVar variation 214412 (VCV000214412.13), dbSNP rs1553341148, ClinGen allele CA320227.

ClinVar aggregate classification (germline): Pathogenic/Likely pathogenic. Review status: criteria provided, multiple submitters, no conflicts (2 of 4 stars). 4 submissions from 4 submitters: Pathogenic (1); Likely pathogenic (3). Last evaluated 2024-12-09.

Conditions:
Hereditary leiomyomatosis and renal cell cancer. Also called: LEIOMYOMA, MULTIPLE CUTANEOUS; Reed syndrome; Multiple cutaneous and uterine leiomyomatosis; Cutaneous leiomyomata with uterine leiomyomata; Leiomyoma, hereditary multiple, of skin; Multiple cutaneous and uterine leiomyomata. Identifiers: Orphanet 523, MedGen C1708350, MONDO:0007888, OMIM 150800, HP:0007437. Disease mechanism: loss of function.
Fumarase deficiency (FMRD). Also called: Fumaric aciduria; Fumarate Hydratase Deficiency. Identifiers: Orphanet 24, MedGen C0342770, MONDO:0011730, OMIM 606812.
Hereditary cancer-predisposing syndrome. Also called: Tumor predisposition; Hereditary Cancer Syndrome; Hereditary neoplastic syndrome; Neoplastic Syndromes, Hereditary. Identifiers: Orphanet 140162, MedGen C0027672, MeSH D009386, MONDO:0015356.

Submissions (4):

Ambry Genetics
Classification: Pathogenic for Hereditary cancer-predisposing syndrome. Last evaluated: 2024-12-09. Review status: criteria provided, single submitter. Criteria: Ambry Variant Classification Scheme 2023. Collection method: clinical testing. Allele origin: germline.
Comment: The c.904+1G>A intronic pathogenic mutation results from a G to A substitution one nucleotide after coding exon 6 of the FH gene. This alteration has been observed in individuals with a personal and/or family history that is consistent with FH-related disease (Ambry internal data). This nucleotide position is highly conserved in available vertebrate species. In silico splice site analysis predicts that this alteration will weaken the native splice donor site and will result in the creation or strengthening of a novel splice donor site. RNA studies have demonstrated that this alteration results in abnormal splicing in the set of samples tested (Ambry internal data). This variant is considered to be rare based on population cohorts in the Genome Aggregation Database (gnomAD). As such, this alteration is classified as a disease-causing mutation.

Fulgent Genetics
Classification: Likely pathogenic for Hereditary leiomyomatosis and renal cell cancer; Fumarase deficiency. Last evaluated: 2024-06-14. Review status: criteria provided, single submitter. Criteria: ACMG Guidelines, 2015. Collection method: clinical testing. Allele origin: germline.

Labcorp Genetics (formerly Invitae), Labcorp
Classification: Likely pathogenic. Last evaluated: 2024-05-27. Review status: criteria provided, single submitter. Criteria: Invitae Variant Classification Sherloc (09022015). Collection method: clinical testing. Allele origin: germline.
Comment: This sequence change affects a donor splice site in intron 6 of the FH gene. It is expected to disrupt RNA splicing. Variants that disrupt the donor or acceptor splice site typically lead to a loss of protein function (PMID: 16199547), and loss-of-function variants in FH are known to be pathogenic (PMID: 11865300, 21398687). This variant is not present in population databases (gnomAD no frequency). This variant has not been reported in the literature in individuals affected with FH-related conditions. ClinVar contains an entry for this variant (Variation ID: 214412). Studies have shown that disruption of this splice site is associated with altered splicing resulting in multiple RNA products (Invitae). In summary, the currently available evidence indicates that the variant is pathogenic, but additional data are needed to prove that conclusively. Therefore, this variant has been classified as Likely Pathogenic.

Myriad Genetics, Inc.
Classification: Likely pathogenic for Hereditary leiomyomatosis and renal cell cancer. Last evaluated: 2023-03-02. Review status: criteria provided, single submitter. Criteria: Myriad Autosomal Dominant, Autosomal Recessive and X-Linked Classification Criteria (2023). Collection method: clinical testing. Allele origin: unknown.
Comment: This variant is considered likely pathogenic. This variant occurs within a consensus splice junction and is predicted to result in abnormal mRNA splicing of either an out-of-frame exon or an in-frame exon necessary for protein stability and/or normal function.

Literature cited by the submitters: PubMed 16199547 (cited by Labcorp Genetics (formerly Invitae), Labcorp); PubMed 11865300 (cited by Labcorp Genetics (formerly Invitae), Labcorp); PubMed 21398687 (cited by Labcorp Genetics (formerly Invitae), Labcorp).